The following is an entry in ClinVar:

NM_002168.4(IDH2):c.23T>C (p.Val8Ala)

Genes: IDH2 (isocitrate dehydrogenase (NADP(+)) 2; minus strand), IDH2-DT (IDH2 divergent transcript; plus strand). Cytogenetic location: 15q26.1.
Variant type: single nucleotide variant.
Coding change: c.23T>C on transcript NM_002168.4 (MANE Select); coding-DNA position 23, T replaced by C.
Protein change: p.Val8Ala; replaces valine 8 with alanine.
Molecular consequence: missense variant. On other transcripts: non-coding transcript variant (1), 5 prime UTR variant (1).
Genome position (GRCh38, 1-based): chr15:90,102,368, A>G on the plus strand (T>C on the coding strand, the complement: IDH2 is on the minus strand). VCF-style: chr15-90102368-A-G. GRCh37 (hg19) VCF-style: chr15-90645600-A-G.
Other names: c.-110T>C (NM_001290114.2); short protein forms V8A.
Identifiers: ClinVar variation 559362 (VCV000559362.18), dbSNP rs369445642, ClinGen allele CA7733298.

ClinVar aggregate classification (germline): Conflicting classifications of pathogenicity. Review status: criteria provided, conflicting classifications (1 of 4 stars). 6 submissions from 6 submitters: Uncertain significance (2); Benign (1); Likely benign (1). 2 of the submissions do not count toward it. Last evaluated 2026-03-01.

Conditions:
D-2-hydroxyglutaric aciduria 2 (D2HGA2). Identifiers: Orphanet 79315, MedGen C3150909, MONDO:0013345, OMIM 613657.
IDH2-related disorder. Also called: IDH2-related condition.

Allele frequency attached by ClinVar (database versions not stated): ExAC 0.00013; gnomAD exomes 0.00016 and 0.00010; ESP Exome Variant Server 0.00067; gnomAD 0.00207 and 0.00231; 1000 Genomes Project 0.00220; TOPMed 0.00244; 1000 Genomes Project 30x 0.00281.
gnomAD v4.1: 515 of 1,365,148 alleles (0.038%); highest among the groups gnomAD compares: African/African-American, 0.68%; 2 homozygotes.

Submissions (6):

CeGaT Center for Human Genetics Tuebingen
Classification: Benign. Last evaluated: 2026-03-01. Review status: criteria provided, single submitter. Criteria: CeGaT Center For Human Genetics Tuebingen Variant Classification Criteria Version 2. Collection method: clinical testing. Allele origin: germline. Affected: yes. Observed: 1 variant allele.
Comment: IDH2: BS1, BS2

Labcorp Genetics (formerly Invitae), Labcorp
Classification: Uncertain significance for D-2-hydroxyglutaric aciduria 2. Last evaluated: 2026-01-19. Review status: criteria provided, single submitter. Criteria: Invitae Variant Classification Sherloc (09022015). Collection method: clinical testing. Allele origin: germline.
Comment: This sequence change replaces valine, which is neutral and non-polar, with alanine, which is neutral and non-polar, at codon 8 of the IDH2 protein (p.Val8Ala). The frequency data for this variant in the population databases is considered unreliable, as metrics indicate poor data quality at this position in the gnomAD database. This variant has not been reported in the literature in individuals affected with IDH2-related conditions. ClinVar contains an entry for this variant (Variation ID: 559362). An algorithm developed to predict the effect of missense changes on protein structure and function outputs the following: PolyPhen-2: "Benign". The alanine amino acid residue is found in multiple mammalian species, which suggests that this missense change does not adversely affect protein function. In summary, the available evidence is currently insufficient to determine the role of this variant in disease. Therefore, it has been classified as a Variant of Uncertain Significance.

Blueprint Genetics
Classification: Likely benign. Last evaluated: 2024-10-22. Review status: criteria provided, single submitter. Criteria: ACMG Guidelines, 2015. Collection method: clinical testing. Allele origin: germline.

Breakthrough Genomics
Classification: Uncertain significance. Review status: criteria provided, single submitter. Criteria: ACMG Guidelines, 2015. Collection method: not provided. Allele origin: germline. Inheritance: Unknown mechanism. Affected: yes.

PreventionGenetics, part of Exact Sciences
Classification: Likely benign for IDH2-related condition. Last evaluated: 2023-01-27. Review status: no assertion criteria provided. Collection method: clinical testing. Allele origin: germline. Not counted in ClinVar's aggregate classification.
Comment: This variant is classified as likely benign based on ACMG/AMP sequence variant interpretation guidelines (Richards et al. 2015 PMID: 25741868, with internal and published modifications).

Mayo Clinic Laboratories, Mayo Clinic
Classification: Uncertain significance. Last evaluated: 2016-03-16. Review status: no assertion criteria provided. Collection method: clinical testing. Allele origin: unknown. Not counted in ClinVar's aggregate classification.